The following is an entry in ClinVar:

NM_000535.7(PMS2):c.1732C>A (p.Arg578Ser)

Gene: PMS2 (PMS1 homolog 2, mismatch repair system component; minus strand). Cytogenetic location: 7p22.1.
Variant type: single nucleotide variant.
Coding change: c.1732C>A on transcript NM_000535.7 (MANE Select); coding-DNA position 1732, C replaced by A.
Protein change: p.Arg578Ser; replaces arginine 578 with serine.
Molecular consequence: missense variant. On other transcripts: non-coding transcript variant (1).
Genome position (GRCh38, 1-based): chr7:5,987,033, G>T on the plus strand (C>A on the coding strand, the complement: PMS2 is on the minus strand). VCF-style: chr7-5987033-G-T. GRCh37 (hg19) VCF-style: chr7-6026664-G-T.
Other names: c.1327C>A, p.Arg443Ser (NM_001322003.2, NM_001322004.2, NM_001322005.2 and 1 more transcripts); c.1576C>A, p.Arg526Ser (NM_001322006.2); c.1414C>A, p.Arg472Ser (NM_001322007.2, NM_001322008.2); c.1171C>A, p.Arg391Ser (NM_001322010.2); c.799C>A, p.Arg267Ser (NM_001322011.2, NM_001322012.2); c.1159C>A, p.Arg387Ser (NM_001322013.2); c.1732C>A, p.Arg578Ser (NM_001322014.2); c.1423C>A, p.Arg475Ser (NM_001322015.2); short protein forms R578S, R267S, R391S, R443S, R472S, R475S, R387S, R526S.
Identifiers: ClinVar variation 187190 (VCV000187190.25), dbSNP rs63750534, ClinGen allele CA010189.
Genomic context (GRCh38, chr7:5,987,033, plus strand): 5'-GAGTATTTACTAACTTTTGACAAATGTCAGAACTGGAAAGAATTTCTTCTTTTTTAAAAC[G>T]CTTTGTGTTTGGGGTTGCGAGATTAGTTGGCTGAGGCAAAACTCGAAATTTACATCCGGT-3'
Protein context (NP_000526.2, residues 568-588): PTNLATPNTK[Arg578Ser]FKKEEILSSS

ClinVar aggregate classification (germline): Uncertain significance. Review status: criteria provided, multiple submitters, no conflicts (2 of 4 stars). 6 submissions from 6 submitters: Uncertain significance (6). Last evaluated 2025-12-13.

Conditions:
Hereditary nonpolyposis colorectal neoplasms. Identifiers: MedGen C0009405, MeSH D003123.
Hereditary cancer-predisposing syndrome. Also called: Neoplastic Syndromes, Hereditary; Tumor predisposition; Hereditary Cancer Syndrome; Hereditary neoplastic syndrome. Identifiers: Orphanet 140162, MedGen C0027672, MeSH D009386, MONDO:0015356.
Lynch syndrome 4 (LYNCH4). Also called: Colorectal cancer, hereditary nonpolyposis, type 4; Hereditary non-polyposis colorectal cancer, type 4. Identifiers: Orphanet 144, MedGen C1838333, MONDO:0013699, OMIM 614337. Disease mechanism: loss of function.

Allele frequency attached by ClinVar (database versions not stated): ExAC 0.00001; TOPMed 0.00002; gnomAD 0.00003.
gnomAD v4.1: 5 of 1,613,946 alleles (0.00031%); highest among the groups gnomAD compares: African/African-American, 0.0067%; no homozygotes.

Submissions (6):

Labcorp Genetics (formerly Invitae), Labcorp
Classification: Uncertain significance for Hereditary nonpolyposis colorectal neoplasms. Last evaluated: 2025-12-13. Review status: criteria provided, single submitter. Criteria: Invitae Variant Classification Sherloc (09022015). Collection method: clinical testing. Allele origin: germline.
Comment: This sequence change replaces arginine, which is basic and polar, with serine, which is neutral and polar, at codon 578 of the PMS2 protein (p.Arg578Ser). This variant is present in population databases (rs63750534, gnomAD 0.01%). This variant has not been reported in the literature in individuals affected with PMS2-related conditions. ClinVar contains an entry for this variant (Variation ID: 187190). Invitae Evidence Modeling incorporating data from in vitro experimental studies (internal data) indicates that this missense variant is not expected to disrupt PMS2 function with a negative predictive value of 95%. In summary, the available evidence is currently insufficient to determine the role of this variant in disease. Therefore, it has been classified as a Variant of Uncertain Significance.

Color Diagnostics, LLC DBA Color Health
Classification: Uncertain significance for Hereditary cancer-predisposing syndrome. Last evaluated: 2025-09-04. Review status: criteria provided, single submitter. Criteria: ACMG Guidelines, 2015. Collection method: clinical testing. Allele origin: germline.
Comment: This missense variant replaces arginine with serine at codon 578 of the PMS2 protein. Computational prediction suggests that this variant may not impact protein structure and function. To our knowledge, functional studies have not been reported for this variant. This variant has not been reported in individuals affected with PMS2-related disorders in the literature. This variant has been identified in 3/282724 chromosomes in the general population by the Genome Aggregation Database (gnomAD). The available evidence is insufficient to determine the role of this variant in disease conclusively. Therefore, this variant is classified as a Variant of Uncertain Significance.

Ambry Genetics
Classification: Uncertain significance for Hereditary cancer-predisposing syndrome. Last evaluated: 2025-08-25. Review status: criteria provided, single submitter. Criteria: Ambry Variant Classification Scheme 2023. Collection method: clinical testing. Allele origin: germline.
Comment: The p.R578S variant (also known as c.1732C>A), located in coding exon 11 of the PMS2 gene, results from a C to A substitution at nucleotide position 1732. The arginine at codon 578 is replaced by serine, an amino acid with dissimilar properties. This amino acid position is not well conserved in available vertebrate species. In addition, this alteration is predicted to be tolerated by in silico analysis. Since supporting evidence is limited at this time, the clinical significance of this alteration remains unclear.

Baylor Genetics
Classification: Uncertain significance for Lynch syndrome 4. Last evaluated: 2023-10-04. Review status: criteria provided, single submitter. Criteria: ACMG Guidelines, 2015. Collection method: clinical testing. Allele origin: unknown.

GeneDx
Classification: Uncertain significance. Last evaluated: 2023-05-11. Review status: criteria provided, single submitter. Criteria: GeneDx Variant Classification Process June 2021. Collection method: clinical testing. Allele origin: germline. Affected: yes.
Comment: In silico analysis supports that this missense variant has a deleterious effect on protein structure/function; Has not been previously published as pathogenic or benign to our knowledge; This variant is associated with the following publications: (PMID: 31925297, 31553483, 32686686)

Women's Health and Genetics/Laboratory Corporation of America, LabCorp
Classification: Uncertain significance. Last evaluated: 2017-12-04. Review status: criteria provided, single submitter. Criteria: LabCorp Variant Classification Summary - May 2015. Collection method: clinical testing. Allele origin: germline.
Comment: Variant summary: The PMS2 c.1732C>A (p.Arg578Ser) variant involves the alteration of a non-conserved nucleotide. 2/3 in silico tools predict a damaging outcome for this variant (SNPsandGO not captured due to low reliability index). This variant was found in 3/277146 control chromosomes at a frequency of 0.0000108, which does not exceed the estimated maximal expected allele frequency of a pathogenic PMS2 variant (0.0001136). In addition, multiple clinical diagnostic laboratories/reputable databases classified this variant as uncertain significance. The variant of interest has not, to our knowledge, been reported in affected individuals via publications, nor evaluated for functional impact by in vivo/vitro studies. Because of the absence of clinical information and the lack of functional studies, the variant is classified as a variant of uncertain significance (VUS) until additional information becomes available.